The following is an entry in ClinVar:

NM_006096.4(NDRG1):c.699-2A>C

Genes: NDRG1 (N-myc downstream regulated 1; minus strand), LOC126860531 (CDK7 strongly-dependent group 2 enhancer GRCh37_chr8:134259869-134261068; plus strand). Cytogenetic location: 8q24.22.
Variant type: single nucleotide variant.
Coding change: c.699-2A>C on transcript NM_006096.4 (MANE Select); the canonical splice acceptor site of the intron before coding-DNA position 699, A replaced by C.
Molecular consequence: splice acceptor variant.
Genome position (GRCh38, 1-based): chr8:133,248,773, T>G on the plus strand (A>C on the coding strand, the complement: NDRG1 is on the minus strand). VCF-style: chr8-133248773-T-G. GRCh37 (hg19) VCF-style: chr8-134261016-T-G.
Other names: c.501-2A>C (NM_001258432.2, NM_001374847.1); c.456-2A>C (NM_001258433.2); c.750-2A>C (NM_001374844.1); c.699-2A>C (NM_001135242.2, NM_001374845.1, NM_001374846.1).
Identifiers: ClinVar variation 1921487 (VCV001921487.5), dbSNP rs1855844502, ClinGen allele CA372255260.
Genomic context (GRCh38, chr8:133,248,773, plus strand): 5'-ACTGCAGGGTGACTGTGTGGGTTCCCGGCATTGGTCGCTCAATCTCCAGGTCGCGCCGGC[T>G]GCAGGAAACAAATGCATCATTAGCATGAGGACCCCTCCCCTGGAGAAATCTCCCACTCCC-3'

ClinVar aggregate classification (germline): Likely pathogenic (1 of 4 stars; one submission).

Conditions:
Charcot-Marie-Tooth disease type 4. Also called: Charcot-Marie-Tooth, Type 4; Charcot-Marie-Tooth disease, type IV. Identifiers: Orphanet 64749, MedGen C4082197, MONDO:0018995.

Allele frequency attached by ClinVar (database versions not stated): TOPMed below 0.00001.

Submission:

Labcorp Genetics (formerly Invitae), Labcorp
Classification: Likely pathogenic for Charcot-Marie-Tooth disease type 4. Last evaluated: 2023-04-12. Review status: criteria provided, single submitter. Criteria: Invitae Variant Classification Sherloc (09022015). Collection method: clinical testing. Allele origin: germline.
Comment: In summary, the currently available evidence indicates that the variant is pathogenic, but additional data are needed to prove that conclusively. Therefore, this variant has been classified as Likely Pathogenic. Algorithms developed to predict the effect of sequence changes on RNA splicing suggest that this variant may disrupt the consensus splice site. ClinVar contains an entry for this variant (Variation ID: 1921487). This variant has not been reported in the literature in individuals affected with NDRG1-related conditions. This variant is not present in population databases (gnomAD no frequency). This sequence change affects an acceptor splice site in intron 10 of the NDRG1 gene. It is expected to disrupt RNA splicing. Variants that disrupt the donor or acceptor splice site typically lead to a loss of protein function (PMID: 16199547), and loss-of-function variants in NDRG1 are known to be pathogenic (PMID: 12872253, 23996628).

Literature cited by the submitters: PubMed 16199547; PubMed 12872253; PubMed 23996628.